The following is an entry in ClinVar:

ClinVar aggregate classification (germline): Uncertain significance. Review status: criteria provided, multiple submitters, no conflicts (2 of 4 stars). 2 submissions from 2 submitters: Uncertain significance (2). Last evaluated 2024-08-20.

gnomAD v4.1: 6 of 1,614,036 alleles (0.00037%); highest among the groups gnomAD compares: East Asian, 0.0022%; no homozygotes.

Submissions (2):

Labcorp Genetics (formerly Invitae), Labcorp
Classification: Uncertain significance. Last evaluated: 2024-08-20. Review status: criteria provided, single submitter. Criteria: Invitae Variant Classification Sherloc (09022015). Collection method: clinical testing. Allele origin: germline.
Comment: This sequence change replaces aspartic acid, which is acidic and polar, with asparagine, which is neutral and polar, at codon 940 of the A2ML1 protein (p.Asp940Asn). This variant is present in population databases (rs778977448, gnomAD 0.007%). This variant has not been reported in the literature in individuals affected with A2ML1-related conditions. An algorithm developed to predict the effect of missense changes on protein structure and function (PolyPhen-2) suggests that this variant is likely to be tolerated. In summary, the available evidence is currently insufficient to determine the role of this variant in disease. Therefore, it has been classified as a Variant of Uncertain Significance.

Ambry Genetics
Classification: Uncertain significance. Last evaluated: 2024-04-27. Review status: criteria provided, single submitter. Criteria: Ambry Variant Classification Scheme 2023. Collection method: clinical testing. Allele origin: germline.
Comment: The p.D940N variant (also known as c.2818G>A), located in coding exon 23 of the A2ML1 gene, results from a G to A substitution at nucleotide position 2818. The aspartic acid at codon 940 is replaced by asparagine, an amino acid with highly similar properties. This amino acid position is conserved. In addition, this alteration is predicted to be tolerated by in silico analysis. Based on the available evidence, the clinical significance of this variant remains unclear.

NM_144670.6(A2ML1):c.2818G>A (p.Asp940Asn)

Gene: A2ML1 (alpha-2-macroglobulin like 1; plus strand). Cytogenetic location: 12p13.31.
Variant type: single nucleotide variant.
Coding change: c.2818G>A on transcript NM_144670.6 (MANE Select); coding-DNA position 2818, G replaced by A.
Protein change: p.Asp940Asn; replaces aspartic acid 940 with asparagine.
Molecular consequence: missense variant.
Genome position (GRCh38, 1-based): chr12:8,855,562, G>A. VCF-style: chr12-8855562-G-A. GRCh37 (hg19) VCF-style: chr12-9008158-G-A.
Other names: c.1345G>A, p.Asp449Asn (NM_001282424.3); short protein forms D449N, D940N.
Identifiers: ClinVar variation 3287012 (VCV003287012.3).